The following is an entry in ClinVar:

ClinVar aggregate classification (germline): Uncertain significance. Review status: criteria provided, multiple submitters, no conflicts (2 of 4 stars). 7 submissions from 7 submitters: Uncertain significance (7). Last evaluated 2026-09-08.

Conditions:
Inborn genetic diseases. Identifiers: MedGen C0950123, MeSH D030342.
Autosomal recessive nonsyndromic hearing loss 30. Identifiers: Orphanet 90636, MedGen C1846784, MONDO:0011774, OMIM 607101.
MYO3A-related disorder. Also called: MYO3A-related condition.

Allele frequency attached by ClinVar (database versions not stated): gnomAD exomes 0.00002; ExAC 0.00003; gnomAD 0.00004 and 0.00005; TOPMed 0.00005.
gnomAD v4.1: 41 of 1,613,264 alleles (0.0025%); highest among the groups gnomAD compares: Admixed American, 0.0033%; no homozygotes.

Submissions (7):

PreventionGenetics, part of Exact Sciences
Classification: Uncertain significance for MYO3A-related condition. Last evaluated: 2026-09-08. Review status: criteria provided, single submitter. Criteria: ACMG Guidelines, 2015. Collection method: clinical testing. Allele origin: germline.
Comment: The MYO3A c.3337G>A variant is predicted to result in the amino acid substitution p.Val1113Ile. To our knowledge, this variant has not been reported in the literature. This variant is reported in 0.0035% of alleles in individuals of European (Non-Finnish) descent in gnomAD. At this time, the clinical significance of this variant is uncertain due to the absence of conclusive functional and genetic evidence.

Labcorp Genetics (formerly Invitae), Labcorp
Classification: Uncertain significance. Last evaluated: 2025-12-27. Review status: criteria provided, single submitter. Criteria: Invitae Variant Classification Sherloc (09022015). Collection method: clinical testing. Allele origin: germline.
Comment: This sequence change replaces valine, which is neutral and non-polar, with isoleucine, which is neutral and non-polar, at codon 1113 of the MYO3A protein (p.Val1113Ile). This variant is present in population databases (rs770255390, gnomAD 0.003%). This variant has not been reported in the literature in individuals affected with MYO3A-related conditions. ClinVar contains an entry for this variant (Variation ID: 299669). Invitae Evidence Modeling of protein sequence and biophysical properties (such as structural, functional, and spatial information, amino acid conservation, physicochemical variation, residue mobility, and thermodynamic stability) indicates that this missense variant is not expected to disrupt MYO3A protein function with a negative predictive value of 80%. In summary, the available evidence is currently insufficient to determine the role of this variant in disease. Therefore, it has been classified as a Variant of Uncertain Significance.

Blueprint Genetics
Classification: Uncertain significance. Last evaluated: 2024-05-22. Review status: criteria provided, single submitter. Criteria: ACMG Guidelines, 2015. Collection method: clinical testing. Allele origin: germline.

Department of Pathology and Laboratory Medicine, Sinai Health System
Classification: Uncertain significance for Autosomal recessive nonsyndromic hearing loss 30. Last evaluated: 2021-09-17. Review status: criteria provided, single submitter. Criteria: ACMG Guidelines, 2015. Collection method: research. Allele origin: germline.

Ambry Genetics
Classification: Uncertain significance for Inborn genetic diseases. Last evaluated: 2021-08-17. Review status: criteria provided, single submitter. Criteria: Ambry Variant Classification Scheme 2023. Collection method: clinical testing. Allele origin: germline.

Illumina Laboratory Services, Illumina
Classification: Uncertain significance for Autosomal recessive nonsyndromic hearing loss 30. Last evaluated: 2018-01-13. Review status: criteria provided, single submitter. Criteria: ICSL Variant Classification Criteria 13 December 2019. Collection method: clinical testing. Allele origin: germline.

Breakthrough Genomics
Classification: Uncertain significance. Review status: criteria provided, single submitter. Criteria: ACMG Guidelines, 2015. Collection method: not provided. Allele origin: germline. Inheritance: Autosomal recessive inheritance. Affected: yes.

NM_017433.5(MYO3A):c.3337G>A (p.Val1113Ile)

Gene: MYO3A (myosin IIIA; plus strand). Cytogenetic location: 10p12.1.
Variant type: single nucleotide variant.
Coding change: c.3337G>A on transcript NM_017433.5 (MANE Select); coding-DNA position 3337, G replaced by A.
Protein change: p.Val1113Ile; replaces valine 1113 with isoleucine.
Molecular consequence: missense variant.
Genome position (GRCh38, 1-based): chr10:26,170,478, G>A. VCF-style: chr10-26170478-G-A. GRCh37 (hg19) VCF-style: chr10-26459407-G-A.
Other names: short protein forms V1113I.
Identifiers: ClinVar variation 299669 (VCV000299669.14), dbSNP rs770255390, ClinGen allele CA5445239.
Genomic context (GRCh38, chr10:26,170,478, plus strand): 5'-GCAAGAGGACACCTTGTCAGGAAACAAAGAAAAGAAATTGTTGACATGAAAAACACAGCA[G>A]TAACAACCATTCAAACTTCTGATCAGGAATTCGACTACAAGAAAAACTTTGAAAATACAA-3'
Protein context (NP_059129.3, residues 1103-1123): KEIVDMKNTA[Val1113Ile]TTIQTSDQEF